The following is an entry in ClinVar:

ClinVar aggregate classification (germline): Likely benign. Review status: criteria provided, multiple submitters, no conflicts (2 of 4 stars). 2 submissions from 2 submitters: Likely benign (2). Last evaluated 2026-07-01.

Conditions:
Spastic paraplegia. Identifiers: MedGen C0037772, HP:0001258.

gnomAD v4.1: 9 of 1,210,397 alleles (0.00074%); highest among the groups gnomAD compares: Admixed American, 0.017%; no homozygotes.

Submissions (2):

CeGaT Center for Human Genetics Tuebingen
Classification: Likely benign. Last evaluated: 2026-07-01. Review status: criteria provided, single submitter. Criteria: CeGaT Center For Human Genetics Tuebingen Variant Classification Criteria Version 2. Collection method: clinical testing. Allele origin: germline. Affected: yes. Observed: 1 variant allele.
Comment: L1CAM: BP4, BP7, BS2

Labcorp Genetics (formerly Invitae), Labcorp
Classification: Likely benign for Spastic paraplegia. Last evaluated: 2025-11-05. Review status: criteria provided, single submitter. Criteria: Invitae Variant Classification Sherloc (09022015). Collection method: clinical testing. Allele origin: germline.

NM_001278116.2(L1CAM):c.726G>A (p.Leu242=)

Gene: L1CAM (L1 cell adhesion molecule; minus strand). Cytogenetic location: Xq28.
Variant type: single nucleotide variant.
Coding change: c.726G>A on transcript NM_001278116.2 (MANE Select); coding-DNA position 726, G replaced by A.
Protein change: p.Leu242=; no amino-acid change (leucine 242 retained).
Molecular consequence: synonymous variant.
Genome position (GRCh38, 1-based): chrX:153,870,468, C>T on the plus strand (G>A on the coding strand, the complement: L1CAM is on the minus strand). VCF-style: chrX-153870468-C-T. GRCh37 (hg19) VCF-style: chrX-153135923-C-T.
Other names: c.726G>A, p.Leu242= (NM_000425.5, NM_024003.3); c.711G>A, p.Leu237= (NM_001143963.2).
Identifiers: ClinVar variation 696193 (VCV000696193.11), dbSNP rs200813995, ClinGen allele CA10554518.